The following is an entry in ClinVar:

ClinVar aggregate classification (germline): Pathogenic (1 of 4 stars; one submission).
ClinVar aggregate classification (oncogenicity): Likely oncogenic (1 of 4 stars; one submission).

Conditions:
Neurofibromatosis, type 1 (NF1). Also called: Neurofibromatosis, type I; VON RECKLINGHAUSEN DISEASE; NEUROFIBROMATOSIS, TYPE I, SOMATIC; Peripheral type neurofibromatosis. Identifiers: Orphanet 636, MedGen C0027831, MONDO:0018975, OMIM 162200. Disease mechanism: loss of function.
Neoplasm. Also called: Neoplasms; Neoplasm (disease); tumor. Identifiers: MedGen C0027651, MeSH D009369, MONDO:0005070, HP:0002664.

Submissions (2):

Center for Genomic Medicine, Rigshospitalet, Copenhagen University Hospital
Classification: Likely oncogenic for Neoplasm. Last evaluated: 2025-12-29. Review status: criteria provided, single submitter. Criteria: ClinGen/CGC/VICC Guidelines for Oncogenicity, 2022. Collection method: clinical testing. Allele origin: somatic. Affected: yes.

Labcorp Genetics (formerly Invitae), Labcorp
Classification: Pathogenic for Neurofibromatosis, type 1. Last evaluated: 2021-05-27. Review status: criteria provided, single submitter. Criteria: Invitae Variant Classification Sherloc (09022015). Collection method: clinical testing. Allele origin: germline.
Comment: For these reasons, this variant has been classified as Pathogenic. This variant has not been reported in the literature in individuals with NF1-related conditions. This variant is not present in population databases (ExAC no frequency). This sequence change creates a premature translational stop signal (p.Gln1742Lysfs*2) in the NF1 gene. It is expected to result in an absent or disrupted protein product. Loss-of-function variants in NF1 are known to be pathogenic (PMID: 10712197, 23913538).

Literature cited by the submitters: PubMed 28637487 (cited by Center for Genomic Medicine, Rigshospitalet, Copenhagen University Hospital); PubMed 10712197 (cited by Center for Genomic Medicine, Rigshospitalet, Copenhagen University Hospital and Labcorp Genetics (formerly Invitae), Labcorp); PubMed 23913538 (cited by Labcorp Genetics (formerly Invitae), Labcorp).

NM_001042492.3(NF1):c.5287del (p.Gln1763fs)

Gene: NF1 (neurofibromin 1; plus strand). Cytogenetic location: 17q11.2.
Variant type: Deletion.
Coding change: c.5287del on transcript NM_001042492.3 (MANE Select); coding-DNA position 5287, one base deleted (C; older notation c.5287delC).
Protein change: p.Gln1763fs; shifts the reading frame from glutamine 1763.
Molecular consequence: frameshift variant.
Genome position (GRCh38, 1-based): chr17:31,327,517, C deleted; the last of 2 consecutive C bases (chr17:31,327,516-31,327,517); deleting either gives the same sequence. VCF-style (leftmost placement, unchanged base first): chr17-31327515-TC-T. GRCh37 (hg19) VCF-style: chr17-29654533-TC-T.
Other names: c.5224delC, p.Gln1742Lysfs (NM_000267.4); c.5224delC (NM_000267.3); short protein forms Q1742fs, Q1763fs.
Identifiers: ClinVar variation 1453050 (VCV001453050.7), dbSNP rs2151540817, ClinGen allele CA2573153400.